The following is an entry in ClinVar:

NM_001868.4(CPA1):c.716C>G (p.Thr239Ser)

Gene: CPA1 (carboxypeptidase A1; plus strand). Cytogenetic location: 7q32.2.
Variant type: single nucleotide variant.
Coding change: c.716C>G on transcript NM_001868.4 (MANE Select); coding-DNA position 716, C replaced by G.
Protein change: p.Thr239Ser; replaces threonine 239 with serine.
Molecular consequence: missense variant.
Genome position (GRCh38, 1-based): chr7:130,384,555, C>G. VCF-style: chr7-130384555-C-G. GRCh37 (hg19) VCF-style: chr7-130024396-C-G.
Other names: short protein forms T239S.
Identifiers: ClinVar variation 1757465 (VCV001757465.2), dbSNP rs782257701, ClinGen allele CA4484920.

ClinVar aggregate classification (germline): Uncertain significance (1 of 4 stars; one submission).

Conditions:
Hereditary pancreatitis (PCTT). Also called: Hereditary chronic pancreatitis; PRSS1-Related Hereditary Pancreatitis. Identifiers: Orphanet 676, MedGen C0238339, MONDO:0008185, OMIM 167800.

Allele frequency attached by ClinVar (database versions not stated): ExAC 0.00001; gnomAD 0.00001.

Submission:

Ambry Genetics
Classification: Uncertain significance for Hereditary pancreatitis. Last evaluated: 2024-03-08. Review status: criteria provided, single submitter. Criteria: Ambry Variant Classification Scheme 2023. Collection method: clinical testing. Allele origin: germline.
Comment: The p.T239S variant (also known as c.716C>G), located in coding exon 7 of the CPA1 gene, results from a C to G substitution at nucleotide position 716. The threonine at codon 239 is replaced by serine, an amino acid with similar properties. This amino acid position is conserved. In addition, this alteration is predicted to be tolerated by in silico analysis. Since supporting evidence is limited at this time, the clinical significance of this alteration remains unclear.